The following is an entry in ClinVar:

NM_001244008.2(KIF1A):c.2372G>T (p.Arg791Leu)

Gene: KIF1A (kinesin family member 1A; minus strand). Cytogenetic location: 2q37.3.
Variant type: single nucleotide variant.
Coding change: c.2372G>T on transcript NM_001244008.2 (MANE Select); coding-DNA position 2372, G replaced by T.
Protein change: p.Arg791Leu; replaces arginine 791 with leucine.
Molecular consequence: missense variant.
Genome position (GRCh38, 1-based): chr2:240,760,737, C>A on the plus strand (G>T on the coding strand, the complement: KIF1A is on the minus strand). VCF-style: chr2-240760737-C-A. GRCh37 (hg19) VCF-style: chr2-241700154-C-A.
Other names: c.2372G>T, p.Arg791Leu (NM_001320705.2, NM_001330289.2, NM_001379638.1); c.2447G>T, p.Arg816Leu (NM_001330290.2, NM_001379631.1, NM_001379634.1 and 2 more transcripts); c.2345G>T, p.Arg782Leu (NM_001379632.1, NM_001379633.1, NM_001379636.1 and 11 more transcripts); c.2420G>T, p.Arg807Leu (NM_001379637.1, NM_001379648.1); short protein forms R807L, R782L, R791L, R816L.
Identifiers: ClinVar variation 2947260 (VCV002947260.3), dbSNP rs762437058, ClinGen allele CA2208114.

ClinVar aggregate classification (germline): Uncertain significance (1 of 4 stars; one submission).

Conditions:
Neuropathy, hereditary sensory, type 2C. Also called: KIF1A-Related HSAN2 (HSAN2C); Hereditary sensory and autonomic neuropathy type IIC. Identifiers: Orphanet 970, MedGen C3280168, MONDO:0013634, OMIM 614213.
Hereditary spastic paraplegia 30. Identifiers: Orphanet 101010, MedGen C5235139, MONDO:0012476.
Intellectual disability, autosomal dominant 9 (NESCAVS). Also called: NESCAV SYNDROME; KIF1A-Related Neurodevelopmental Disorder. Identifiers: Orphanet 662367, MedGen C5393830, MONDO:0013656, OMIM 614255.

Allele frequency attached by ClinVar (database versions not stated): TOPMed below 0.00001; ExAC 0.00004.
gnomAD v4.1: 17 of 1,595,944 alleles (0.0011%); highest among the groups gnomAD compares: South Asian, 0.017%; no homozygotes.

Submission:

Labcorp Genetics (formerly Invitae), Labcorp
Classification: Uncertain significance for Hereditary spastic paraplegia 30; Neuropathy, hereditary sensory, type 2C; Intellectual disability, autosomal dominant 9. Last evaluated: 2023-04-28. Review status: criteria provided, single submitter. Criteria: Invitae Variant Classification Sherloc (09022015). Collection method: clinical testing. Allele origin: germline.
Comment: Advanced modeling of protein sequence and biophysical properties (such as structural, functional, and spatial information, amino acid conservation, physicochemical variation, residue mobility, and thermodynamic stability) has been performed at Invitae for this missense variant, however the output from this modeling did not meet the statistical confidence thresholds required to predict the impact of this variant on KIF1A protein function. This sequence change replaces arginine, which is basic and polar, with leucine, which is neutral and non-polar, at codon 782 of the KIF1A protein (p.Arg782Leu). The frequency data for this variant in the population databases is considered unreliable, as metrics indicate poor data quality at this position in the gnomAD database. This variant has not been reported in the literature in individuals affected with KIF1A-related conditions. In summary, the available evidence is currently insufficient to determine the role of this variant in disease. Therefore, it has been classified as a Variant of Uncertain Significance.